The following is an entry in ClinVar:

NM_000535.7(PMS2):c.2395dup (p.Arg799fs)

Gene: PMS2 (PMS1 homolog 2, mismatch repair system component; minus strand). Cytogenetic location: 7p22.1.
Variant type: Duplication.
Coding change: c.2395dup on transcript NM_000535.7 (MANE Select); coding-DNA position 2395, one base duplicated (C; older notation c.2395dupC).
Protein change: p.Arg799fs; shifts the reading frame from arginine 799.
Molecular consequence: frameshift variant. On other transcripts: non-coding transcript variant (1).
Genome position (GRCh38, 1-based): chr7:5,977,638, G duplicated on the plus strand (C on the coding strand, the reverse complement: PMS2 is on the minus strand); the first of 2 consecutive G bases (chr7:5,977,638-5,977,639); duplicating either gives the same sequence. VCF-style (leftmost placement, unchanged base first): chr7-5977637-C-CG. GRCh37 (hg19) VCF-style: chr7-6017268-C-CG.
Other names: c.1989dup, p.Arg664Profs (NM_001018040.1); c.1990dup, p.Arg664fs (NM_001322003.2, NM_001322004.2, NM_001322005.2 and 11 more transcripts); c.2239dup, p.Arg747fs (NM_001322006.2); c.2077dup, p.Arg693fs (NM_001322007.2, NM_001322008.2, NM_001406883.1); c.2023dup, p.Arg675fs (NM_001322009.2, NM_001406887.1, NM_001406888.1); c.1834dup, p.Arg612fs (NM_001322010.2, NM_001406906.1, NM_001406907.1); c.1462dup, p.Arg488fs (NM_001322011.2, NM_001322012.2); c.1822dup, p.Arg608fs (NM_001322013.2, NM_001406908.1, NM_001406909.1); and 21 more; short protein forms R398fs, R488fs, R542fs, R560fs, R608fs, R612fs, R628fs, R637fs.
Identifiers: ClinVar variation 2674269 (VCV002674269.1), dbSNP rs2535315889, ClinGen allele CA2695198397.

ClinVar aggregate classification (germline): Pathogenic (1 of 4 stars; one submission).

Conditions:
Lynch syndrome 4 (LYNCH4). Also called: Hereditary non-polyposis colorectal cancer, type 4; Colorectal cancer, hereditary nonpolyposis, type 4. Identifiers: Orphanet 144, MedGen C1838333, MONDO:0013699, OMIM 614337. Disease mechanism: loss of function.

Submission:

Myriad Genetics, Inc.
Classification: Pathogenic for Lynch syndrome 4. Last evaluated: 2023-09-22. Review status: criteria provided, single submitter. Criteria: Myriad Autosomal Dominant, Autosomal Recessive and X-Linked Classification Criteria (2023). Collection method: clinical testing. Allele origin: unknown.
Comment: This variant is considered pathogenic. This variant creates a frameshift predicted to result in premature protein truncation.